The following is an entry in ClinVar:

NM_033310.3(KCNK4):c.95A>G (p.Glu32Gly)

Genes: KCNK4 (potassium two pore domain channel subfamily K member 4; plus strand), KCNK4-CATSPERZ (KCNK4-CATSPERZ readthrough (NMD candidate); plus strand). Cytogenetic location: 11q13.1.
Variant type: single nucleotide variant.
Coding change: c.95A>G on transcript NM_033310.3 (MANE Select); coding-DNA position 95, A replaced by G.
Protein change: p.Glu32Gly; replaces glutamic acid 32 with glycine.
Molecular consequence: missense variant. On other transcripts: non-coding transcript variant (2).
Genome position (GRCh38, 1-based): chr11:64,293,113, A>G. VCF-style: chr11-64293113-A-G. GRCh37 (hg19) VCF-style: chr11-64060585-A-G.
Other names: c.95A>G, p.Glu32Gly (NM_001317090.2, NM_033311.1); short protein forms E32G.
Identifiers: ClinVar variation 2783202 (VCV002783202.3), dbSNP rs1405245573, ClinGen allele CA381158321.

ClinVar aggregate classification (germline): Uncertain significance (1 of 4 stars; one submission).

Allele frequency attached by ClinVar (database versions not stated): gnomAD 0.00001.
gnomAD v4.1: 1 of 1,547,456 alleles (0.000065%); highest among the groups gnomAD compares: African/African-American, 0.0014%; no homozygotes.

Submission:

Labcorp Genetics (formerly Invitae), Labcorp
Classification: Uncertain significance. Last evaluated: 2023-07-25. Review status: criteria provided, single submitter. Criteria: Invitae Variant Classification Sherloc (09022015). Collection method: clinical testing. Allele origin: germline.
Comment: This variant has not been reported in the literature in individuals affected with KCNK4-related conditions. An algorithm developed to predict the effect of missense changes on protein structure and function (PolyPhen-2) suggests that this variant is likely to be disruptive. In summary, the available evidence is currently insufficient to determine the role of this variant in disease. Therefore, it has been classified as a Variant of Uncertain Significance. This sequence change replaces glutamic acid, which is acidic and polar, with glycine, which is neutral and non-polar, at codon 32 of the KCNK4 protein (p.Glu32Gly). This variant is not present in population databases (gnomAD no frequency).